The following is an entry in ClinVar:

ClinVar aggregate classification (germline): Uncertain significance (1 of 4 stars; one submission).

Submission:

Labcorp Genetics (formerly Invitae), Labcorp
Classification: Uncertain significance. Last evaluated: 2021-10-17. Review status: criteria provided, single submitter. Criteria: Invitae Variant Classification Sherloc (09022015). Collection method: clinical testing. Allele origin: germline.
Comment: In summary, the available evidence is currently insufficient to determine the role of this variant in disease. Therefore, it has been classified as a Variant of Uncertain Significance. Algorithms developed to predict the effect of missense changes on protein structure and function (SIFT, PolyPhen-2, Align-GVGD) all suggest that this variant is likely to be tolerated. This variant has not been reported in the literature in individuals affected with TCIRG1-related conditions. This variant is not present in population databases (ExAC no frequency). This sequence change replaces glutamine with glutamic acid at codon 484 of the TCIRG1 protein (p.Gln484Glu). The glutamine residue is moderately conserved and there is a small physicochemical difference between glutamine and glutamic acid.

NM_006019.4(TCIRG1):c.1450C>G (p.Gln484Glu)

Gene: TCIRG1 (T cell immune regulator 1, ATPase H+ transporting V0 subunit a3; plus strand). Cytogenetic location: 11q13.2.
Variant type: single nucleotide variant.
Coding change: c.1450C>G on transcript NM_006019.4 (MANE Select); coding-DNA position 1450, C replaced by G.
Protein change: p.Gln484Glu; replaces glutamine 484 with glutamic acid.
Molecular consequence: missense variant.
Genome position (GRCh38, 1-based): chr11:68,047,791, C>G. VCF-style: chr11-68047791-C-G. GRCh37 (hg19) VCF-style: chr11-67815258-C-G.
Other names: c.556C>G, p.Gln186Glu (NM_001351059.2); c.802C>G, p.Gln268Glu (NM_006053.4); short protein forms Q484E, Q186E, Q268E.
Identifiers: ClinVar variation 1502623 (VCV001502623.6), dbSNP rs1330710686, ClinGen allele CA381584279.
Genomic context (GRCh38, chr11:68,047,791, plus strand): 5'-TGCTTCAGTCGCGCCACCAGCATCTTCCCCTCGGGCTGGAGTGTGGCCGCCATGGCCAAC[C>G]AGTCTGGCTGGAGGTGAGGCCCGGGCCCCAGCCCGGCTGGGGGCCCCGCAGCACCCGCAG-3'
Protein context (NP_006010.2, residues 474-494): SGWSVAAMAN[Gln484Glu]SGWSDAFLAQ